The following is an entry in ClinVar:

NM_000428.3(LTBP2):c.4934G>A (p.Arg1645Gln)

Gene: LTBP2 (latent transforming growth factor beta binding protein 2; minus strand). Cytogenetic location: 14q24.3.
Variant type: single nucleotide variant.
Coding change: c.4934G>A on transcript NM_000428.3 (MANE Select); coding-DNA position 4934, G replaced by A.
Protein change: p.Arg1645Gln; replaces arginine 1645 with glutamine.
Molecular consequence: missense variant.
Genome position (GRCh38, 1-based): chr14:74,502,889, C>T on the plus strand (G>A on the coding strand, the complement: LTBP2 is on the minus strand). VCF-style: chr14-74502889-C-T. GRCh37 (hg19) VCF-style: chr14-74969592-C-T.
Other names: c.4934G>A (NM_000428.2); short protein forms R1645Q.
Identifiers: ClinVar variation 1463914 (VCV001463914.8), dbSNP rs371346534, ClinGen allele CA7268574.

ClinVar aggregate classification (germline): Uncertain significance. Review status: criteria provided, multiple submitters, no conflicts (2 of 4 stars). 5 submissions from 4 submitters: Uncertain significance (5). Last evaluated 2025-02-15.

Conditions:
Microspherophakia and/or megalocornea, with ectopia lentis and with or without secondary glaucoma (MSPKA). Identifiers: Orphanet 238763, MedGen C3538951, MONDO:0009633, OMIM 251750.
Glaucoma 3, primary congenital, D. Identifiers: Orphanet 98976, MedGen C2751316, MONDO:0013122, OMIM 613086.
Weill-Marchesani syndrome 3 (WMS3). Also called: LTBP2-Related Weill-Marchesani Syndrome; Weill-Marchesani syndrome 3, recessive. Identifiers: Orphanet 3449, MedGen C3553785, MONDO:0013899, OMIM 614819.
Glaucoma 3, primary infantile, B. Also called: GLC3B; GLC3 type B; Primary congenital glaucoma type 3B; Glaucoma primary congenita type 3B; GLAUCOMA, PRIMARY CONGENITAL, TYPE B. Identifiers: Orphanet 98976, MedGen C1832977, MONDO:0010968, OMIM 600975.
Microspherophakia. Identifiers: MedGen C1562061, HP:0030961.

Allele frequency attached by ClinVar (database versions not stated): gnomAD 0.00004 and 0.00013; TOPMed 0.00005; ESP Exome Variant Server 0.00008; gnomAD exomes 0.00015 and 0.00026; ExAC 0.00030; 1000 Genomes Project 0.00060; 1000 Genomes Project 30x 0.00078.
gnomAD v4.1: 233 of 1,613,288 alleles (0.014%); highest among the groups gnomAD compares: South Asian, 0.19%; 1 homozygote.

Submissions (5):

GeneDx
Classification: Uncertain significance. Last evaluated: 2025-02-15. Review status: criteria provided, single submitter. Criteria: GeneDx Variant Classification Process June 2021. Collection method: clinical testing. Allele origin: germline. Affected: yes.
Comment: In silico analysis indicates that this missense variant does not alter protein structure/function; This variant is associated with the following publications: (PMID: 34426522, 32165823, 27409795)

Labcorp Genetics (formerly Invitae), Labcorp
Classification: Uncertain significance. Last evaluated: 2022-08-23. Review status: criteria provided, single submitter. Criteria: Invitae Variant Classification Sherloc (09022015). Collection method: clinical testing. Allele origin: germline.
Comment: This sequence change replaces arginine, which is basic and polar, with glutamine, which is neutral and polar, at codon 1645 of the LTBP2 protein (p.Arg1645Gln). This variant is present in population databases (rs371346534, gnomAD 0.2%). This missense change has been observed in individual(s) with primary congenital glaucoma (PMID: 27409795). It has also been observed to segregate with disease in related individuals. ClinVar contains an entry for this variant (Variation ID: 1463914). Algorithms developed to predict the effect of missense changes on protein structure and function (SIFT, PolyPhen-2, Align-GVGD) all suggest that this variant is likely to be disruptive. In summary, the available evidence is currently insufficient to determine the role of this variant in disease. Therefore, it has been classified as a Variant of Uncertain Significance.

Fulgent Genetics
Classification: Uncertain significance for Microspherophakia and/or megalocornea, with ectopia lentis and with or without secondary glaucoma; Glaucoma 3, primary infantile, B; Glaucoma 3, primary congenital, D; Weill-Marchesani syndrome 3. Last evaluated: 2021-11-15. Review status: criteria provided, single submitter. Criteria: ACMG Guidelines, 2015. Collection method: clinical testing. Allele origin: unknown.

Center for Genomics, Ann and Robert H. Lurie Children's Hospital of Chicago
Classification: Uncertain significance for Glaucoma 3, primary congenital, D; Microspherophakia and/or megalocornea, with ectopia lentis and with or without secondary glaucoma; Weill-Marchesani syndrome 3. Last evaluated: 2020-12-17. Review status: criteria provided, single submitter. Criteria: ACMG Guidelines, 2015. Collection method: clinical testing. Allele origin: germline.
Comment: This variant is also present in 0.01% (20/152208) of total alleles in the Genome Aggregation Database. Evolutionary conservation and computational predictive tools suggest that this variant may impact the protein. In summary, data on this variant is insufficient for disease classification. Therefore, the clinical significance of this variant is uncertain.

Center for Genomics, Ann and Robert H. Lurie Children's Hospital of Chicago
Classification: Uncertain significance for Glaucoma 3, primary congenital, D; Microspherophakia and/or megalocornea, with ectopia lentis and with or without secondary glaucoma; Weill-Marchesani syndrome 3. Review status: criteria provided, single submitter. Criteria: ACMG Guidelines, 2015. Collection method: clinical testing. Allele origin: germline.
Comment: the same text as in the submission from Center for Genomics, Ann and Robert H. Lurie Children's Hospital of Chicago above.

Literature cited by the submitters: PubMed 27409795 (cited by Labcorp Genetics (formerly Invitae), Labcorp).